The following is an entry in ClinVar:

ClinVar aggregate classification (germline): Uncertain significance. Review status: criteria provided, multiple submitters, no conflicts (2 of 4 stars). 3 submissions from 3 submitters: Uncertain significance (2). 1 of the submissions does not count toward it. Last evaluated 2026-06-18.

Conditions:
Zellweger spectrum disorders (ZS). Also called: Zellweger Spectrum Disorder; Zellweger Spectrum; Zellweger syndrome; Zellweger Spectrum Disorder (ZSD). Identifiers: Orphanet 912, MedGen C0043459, MONDO:0019609.
PEX1-related disorder. Also called: PEX1-related condition.

Allele frequency attached by ClinVar (database versions not stated): gnomAD exomes below 0.00001 and 0.00001; TOPMed below 0.00001; ExAC 0.00001.
gnomAD v4.1: 3 of 1,546,784 alleles (0.00019%); highest among the groups gnomAD compares: Admixed American, 0.0062%; no homozygotes.

Submissions (3):

PreventionGenetics, part of Exact Sciences
Classification: Uncertain significance for PEX1-related condition. Last evaluated: 2026-06-18. Review status: criteria provided, single submitter. Criteria: ACMG Guidelines, 2015. Collection method: clinical testing. Allele origin: germline.
Comment: The PEX1 c.688G>A variant is predicted to result in the amino acid substitution p.Glu230Lys. To our knowledge, this variant has not been reported in the literature. This variant is reported in 0.0042% of alleles in individuals of Latino descent in gnomAD. At this time, the clinical significance of this variant is uncertain due to the absence of conclusive functional and genetic evidence.

Labcorp Genetics (formerly Invitae), Labcorp
Classification: Uncertain significance for Zellweger spectrum disorders. Last evaluated: 2024-10-10. Review status: criteria provided, single submitter. Criteria: Invitae Variant Classification Sherloc (09022015). Collection method: clinical testing. Allele origin: germline.
Comment: This sequence change replaces glutamic acid, which is acidic and polar, with lysine, which is basic and polar, at codon 230 of the PEX1 protein (p.Glu230Lys). The frequency data for this variant in the population databases is considered unreliable, as metrics indicate poor data quality at this position in the gnomAD database. This variant has not been reported in the literature in individuals affected with PEX1-related conditions. ClinVar contains an entry for this variant (Variation ID: 1022318). Invitae Evidence Modeling of protein sequence and biophysical properties (such as structural, functional, and spatial information, amino acid conservation, physicochemical variation, residue mobility, and thermodynamic stability) indicates that this missense variant is not expected to disrupt PEX1 protein function with a negative predictive value of 95%. In summary, the available evidence is currently insufficient to determine the role of this variant in disease. Therefore, it has been classified as a Variant of Uncertain Significance.

Natera, Inc.
Classification: Uncertain significance for Zellweger syndrome. Last evaluated: 2019-08-14. Review status: no assertion criteria provided. Collection method: clinical testing. Allele origin: germline. Not counted in ClinVar's aggregate classification.

NM_000466.3(PEX1):c.688G>A (p.Glu230Lys)

Gene: PEX1 (peroxisomal biogenesis factor 1; minus strand). Cytogenetic location: 7q21.2.
Variant type: single nucleotide variant.
Coding change: c.688G>A on transcript NM_000466.3 (MANE Select); coding-DNA position 688, G replaced by A.
Protein change: p.Glu230Lys; replaces glutamic acid 230 with lysine.
Molecular consequence: missense variant.
Genome position (GRCh38, 1-based): chr7:92,517,827, C>T on the plus strand (G>A on the coding strand, the complement: PEX1 is on the minus strand). VCF-style: chr7-92517827-C-T. GRCh37 (hg19) VCF-style: chr7-92147141-C-T.
Other names: c.688G>A (NM_000466.2); c.688G>A, p.Glu230Lys (NM_001282677.2); c.64G>A, p.Glu22Lys (NM_001282678.2); short protein forms E22K, E230K.
Identifiers: ClinVar variation 1022318 (VCV001022318.9), dbSNP rs781371997, ClinGen allele CA4341557.